The following is an entry in ClinVar:

NM_007289.4(MME):c.1255A>G (p.Met419Val)

Gene: MME (membrane metalloendopeptidase; plus strand). Cytogenetic location: 3q25.2.
Variant type: single nucleotide variant.
Coding change: c.1255A>G on transcript NM_007289.4 (MANE Select); coding-DNA position 1255, A replaced by G.
Protein change: p.Met419Val; replaces methionine 419 with valine.
Molecular consequence: missense variant.
Genome position (GRCh38, 1-based): chr3:155,143,509, A>G. VCF-style: chr3-155143509-A-G. GRCh37 (hg19) VCF-style: chr3-154861298-A-G.
Other names: c.1255A>G, p.Met419Val (NM_000902.5, NM_001354642.2, NM_001354643.1 and 2 more transcripts); short protein forms M419V.
Identifiers: ClinVar variation 1949327 (VCV001949327.2), dbSNP rs34931605, ClinGen allele CA2675439.

ClinVar aggregate classification (germline): Uncertain significance (1 of 4 stars; one submission).

gnomAD v4.1: 43 of 1,612,916 alleles (0.0027%); highest among the groups gnomAD compares: South Asian, 0.0077%; 1 homozygote.

Submission:

Labcorp Genetics (formerly Invitae), Labcorp
Classification: Uncertain significance. Last evaluated: 2022-05-01. Review status: criteria provided, single submitter. Criteria: Invitae Variant Classification Sherloc (09022015). Collection method: clinical testing. Allele origin: germline.
Comment: This sequence change replaces methionine, which is neutral and non-polar, with valine, which is neutral and non-polar, at codon 419 of the MME protein (p.Met419Val). This variant is present in population databases (rs34931605, gnomAD 0.003%). This variant has not been reported in the literature in individuals affected with MME-related conditions. Algorithms developed to predict the effect of missense changes on protein structure and function are either unavailable or do not agree on the potential impact of this missense change (SIFT: "Deleterious"; PolyPhen-2: "Benign"; Align-GVGD: "Class C0"). In summary, the available evidence is currently insufficient to determine the role of this variant in disease. Therefore, it has been classified as a Variant of Uncertain Significance.